The following is an entry in ClinVar:

NM_001018005.2(TPM1):c.94_95delinsTT (p.Ala32Leu)

Gene: TPM1 (tropomyosin 1; plus strand). Cytogenetic location: 15q22.2.
Variant type: Indel.
Coding change: c.94_95delinsTT on transcript NM_001018005.2 (MANE Select); coding-DNA positions 94 to 95, GC replaced by TT.
Protein change: p.Ala32Leu; replaces alanine 32 with leucine.
Molecular consequence: missense variant.
Genome position (GRCh38, 1-based): chr15:63,042,923-63,042,924, GC replaced by TT. VCF-style: chr15-63042923-GC-TT. GRCh37 (hg19) VCF-style: chr15-63335122-GC-TT.
Other names: c.94_95delinsTT, p.Ala32Leu (NM_000366.6, NM_001018004.2, NM_001018006.2 and 7 more transcripts); short protein forms A32L.
Identifiers: ClinVar variation 1020670 (VCV001020670.7), dbSNP rs2031440279, ClinGen allele CA2182486487.

ClinVar aggregate classification (germline): Uncertain significance (1 of 4 stars; one submission).

Conditions:
Hypertrophic cardiomyopathy. Also called: HYPERTROPHIC MYOCARDIOPATHY. Identifiers: Orphanet 217569, MedGen C0007194, MeSH D002312, MONDO:0005045, HP:0001639.

Submission:

Labcorp Genetics (formerly Invitae), Labcorp
Classification: Uncertain significance for Hypertrophic cardiomyopathy. Last evaluated: 2020-03-30. Review status: criteria provided, single submitter. Criteria: Invitae Variant Classification Sherloc (09022015). Collection method: clinical testing. Allele origin: germline.
Comment: In summary, the available evidence is currently insufficient to determine the role of this variant in disease. Therefore, it has been classified as a Variant of Uncertain Significance. This sequence change replaces alanine with leucine at codon 32 of the TPM1 protein (p.Ala32Leu). The alanine residue is highly conserved and there is a moderate physicochemical difference between alanine and leucine. This variant is not present in population databases (ExAC no frequency). This variant has not been reported in the literature in individuals with TPM1-related conditions. Algorithms developed to predict the effect of missense changes on protein structure and function are either unavailable or do not agree on the potential impact of this missense change (SIFT: "Not Available"; PolyPhen-2: "Probably Damaging"; Align-GVGD: "Not Available").